The following is an entry in ClinVar:

NM_032383.5(HPS3):c.1190_1194dup (p.Ser399fs)

Gene: HPS3 (HPS3 biogenesis of lysosomal organelles complex 2 subunit 1; plus strand). Cytogenetic location: 3q24.
Variant type: Duplication.
Coding change: c.1190_1194dup on transcript NM_032383.5 (MANE Select); coding-DNA positions 1190 to 1194, 5 bases duplicated (GGTGC; older notation c.1190_1194dupGGTGC).
Protein change: p.Ser399fs; shifts the reading frame from serine 399.
Molecular consequence: frameshift variant.
Genome position (GRCh38, 1-based): chr3:149,150,625-149,150,629, GGTGC duplicated; duplicating any 5 consecutive bases within chr3:149,150,621-149,150,629 gives the same sequence; the c. name uses the placement nearest the transcript's 3' end. VCF-style (leftmost placement, unchanged base first): chr3-149150620-T-TGTGCG. GRCh37 (hg19) VCF-style: chr3-148868407-T-TGTGCG.
Other names: c.695_699dup, p.Ser234fs (NM_001308258.2); c.1190_1194dupGGTGC (NM_032383.4); short protein forms S234fs, S399fs.
Identifiers: ClinVar variation 1075301 (VCV001075301.12), dbSNP rs1309602954, ClinGen allele CA546938000.

ClinVar aggregate classification (germline): Pathogenic/Likely pathogenic. Review status: criteria provided, multiple submitters, no conflicts (2 of 4 stars). 4 submissions from 4 submitters: Pathogenic (1); Likely pathogenic (3). Last evaluated 2025-01-14.

Conditions:
Hermansky-Pudlak syndrome (HPS). Also called: ALBINISM WITH HEMORRHAGIC DIATHESIS AND PIGMENTED RETICULOENDOTHELIAL CELLS. Identifiers: Orphanet 79430, MedGen C0079504, MONDO:0019312.
Hermansky-Pudlak syndrome 3 (HPS3). Identifiers: Orphanet 231512, Orphanet 79430, MedGen C3888001, MONDO:0013555, OMIM 614072.

Submissions (4):

Natera, Inc.
Classification: Likely pathogenic for Hermansky-Pudlak syndrome. Last evaluated: 2025-01-14. Review status: criteria provided, single submitter. Criteria: Natera Variant Classification Schema (03/2026). Collection method: clinical testing. Allele origin: germline.
Comment: The c.1190_1194dupGGTGC variant in HPS3 is a frameshift variant predicted to shift the reading frame beginning at codon 399 and leads to a stop codon 18 codons downstream. This variant is expected to result in nonsense mediated decay, truncation, or a dysfunctional protein product. This variant is rare in the general population with a frequency below the threshold expected for the associated phenotype(s). Given the available evidence, this variant is classified as Likely Pathogenic.

Myriad Genetics, Inc.
Classification: Pathogenic for Hermansky-Pudlak syndrome 3. Last evaluated: 2024-05-14. Review status: criteria provided, single submitter. Criteria: Myriad Autosomal Dominant, Autosomal Recessive and X-Linked Classification Criteria (2023). Collection method: clinical testing. Allele origin: unknown.
Comment: NM_032383.3(HPS3):c.1190_1194dup5(S399Gfs*18) is expected to be pathogenic in the context of Hermansky-Pudlak syndrome, HPS3-related. This variant is predicted to lead to an abnormal or absent protein product due to the creation of a premature termination codon in HPS3, a gene where loss-of-function variants are known to be pathogenic. Please note: this variant was assessed in the context of healthy population screening.

Baylor Genetics
Classification: Likely pathogenic for Hermansky-Pudlak syndrome 3. Last evaluated: 2023-12-14. Review status: criteria provided, single submitter. Criteria: ACMG Guidelines, 2015. Collection method: clinical testing. Allele origin: unknown.

Revvity Omics, Revvity
Classification: Likely pathogenic for Hermansky-Pudlak syndrome 3. Last evaluated: 2021-10-08. Review status: criteria provided, single submitter. Criteria: ACMG Guidelines, 2015. Collection method: clinical testing. Allele origin: germline.